The following is an entry in ClinVar:

ClinVar aggregate classification (germline): Likely benign. Review status: criteria provided, multiple submitters, no conflicts (2 of 4 stars). 2 submissions from 2 submitters: Likely benign (2). Last evaluated 2024-12-02.

Conditions:
Developmental and epileptic encephalopathy, 11 (DEE11). Also called: Early infantile epileptic encephalopathy 11. Identifiers: Orphanet 1934, MedGen C3150987, MONDO:0013388, OMIM 613721.
Seizures, benign familial infantile, 3 (BFIS3). Also called: Familial neonatal seizures; CONVULSIONS, BENIGN FAMILIAL INFANTILE, 3. Identifiers: Orphanet 140927, Orphanet 306, MedGen C1843140, MONDO:0011904, OMIM 607745.

Allele frequency attached by ClinVar (database versions not stated): gnomAD exomes below 0.00001; gnomAD 0.00001.
gnomAD v4.1: 4 of 1,613,744 alleles (0.00025%); highest among the groups gnomAD compares: Non-Finnish European, 0.00034%; no homozygotes.

Submissions (2):

Athena Diagnostics
Classification: Likely benign. Last evaluated: 2024-12-02. Review status: criteria provided, single submitter. Criteria: Athena Diagnostics Criteria. Collection method: clinical testing. Allele origin: unknown.
Comment: Computational tools yielded predictions that this variant is unlikely to have an effect on normal RNA splicing. This nucleotide position exhibits low evolutionary conservation.

Labcorp Genetics (formerly Invitae), Labcorp
Classification: Likely benign for Seizures, benign familial infantile, 3; Developmental and epileptic encephalopathy, 11. Last evaluated: 2022-02-25. Review status: criteria provided, single submitter. Criteria: Invitae Variant Classification Sherloc (09022015). Collection method: clinical testing. Allele origin: germline.

Literature cited by the submitters: PubMed 29760388 (cited by Athena Diagnostics); PubMed 28098136 (cited by Athena Diagnostics).

NM_001040142.2(SCN2A):c.5736C>T (p.Ile1912=)

Gene: SCN2A (sodium voltage-gated channel alpha subunit 2; plus strand). Cytogenetic location: 2q24.3.
Variant type: single nucleotide variant.
Coding change: c.5736C>T on transcript NM_001040142.2 (MANE Select); coding-DNA position 5736, C replaced by T.
Protein change: p.Ile1912=; no amino-acid change (isoleucine 1912 retained).
Molecular consequence: synonymous variant.
Genome position (GRCh38, 1-based): chr2:165,389,542, C>T. VCF-style: chr2-165389542-C-T. GRCh37 (hg19) VCF-style: chr2-166246052-C-T.
Other names: c.5736C>T, p.Ile1912= (NM_001371246.1, NM_001371247.1, NM_021007.3 and 1 more transcripts); c.5736C>T (NM_021007.2).
Identifiers: ClinVar variation 1142708 (VCV001142708.11), dbSNP rs1324754723, ClinGen allele CA429973008.